The following is an entry in ClinVar:

ClinVar aggregate classification (germline): Uncertain significance (1 of 4 stars; one submission).

Submission:

CeGaT Center for Human Genetics Tuebingen
Classification: Uncertain significance. Last evaluated: 2026-06-01. Review status: criteria provided, single submitter. Criteria: CeGaT Center For Human Genetics Tuebingen Variant Classification Criteria Version 2. Collection method: clinical testing. Allele origin: germline. Affected: yes. Observed: 1 variant allele.
Comment: GLUD1: PM2, PP3

NM_005271.5(GLUD1):c.529G>T (p.Val177Leu)

Gene: GLUD1 (glutamate dehydrogenase 1; minus strand). Cytogenetic location: 10q23.2.
Variant type: single nucleotide variant.
Coding change: c.529G>T on transcript NM_005271.5 (MANE Select); coding-DNA position 529, G replaced by T.
Protein change: p.Val177Leu; replaces valine 177 with leucine.
Molecular consequence: missense variant.
Genome position (GRCh38, 1-based): chr10:87,076,021, C>A on the plus strand (G>T on the coding strand, the complement: GLUD1 is on the minus strand). VCF-style: chr10-87076021-C-A. GRCh37 (hg19) VCF-style: chr10-88835778-C-A.
Other names: c.130G>T, p.Val44Leu (NM_001318900.1); c.28G>T, p.Val10Leu (NM_001318901.1, NM_001318902.1, NM_001318904.2 and 2 more transcripts); short protein forms V10L, V177L, V44L.
Identifiers: ClinVar variation 4875206 (VCV004875206.2).
Genomic context (GRCh38, chr10:87,076,021, plus strand): 5'-TACTTACAGTATAGTTCTTGGGATTGATCTTAACACCAGCTTTAGCACCCCCAAACGGCA[C>A]ATCTGAAAGAGAAGGCTGATGGTTGCTATTCCATATAAATGTTAAAAAAGTAAAATGACA-3'
Protein context (NP_005262.1, residues 167-187): LMTYKCAVVD[Val177Leu]PFGGAKAGVK